The following is an entry in ClinVar:

ClinVar aggregate classification (germline): Likely pathogenic (1 of 4 stars; one submission).

Conditions:
TOPORS-related disorder. Also called: TOPORS-related condition.

Submission:

PreventionGenetics, part of Exact Sciences
Classification: Likely pathogenic for TOPORS-related condition. Last evaluated: 2024-12-13. Review status: criteria provided, single submitter. Criteria: ACMG Guidelines, 2015. Collection method: clinical testing. Allele origin: germline.
Comment: The TOPORS c.2475C>G variant is predicted to result in premature protein termination (p.Tyr825*). To our knowledge, this variant has not been reported in the literature or in a large population database (gnomAD), indicating this variant is rare. An alternate nucleotide variant (c.2474dupA) that causes this same premature protein termination has been reported as segregating with disease in a large kindred with autosomal dominant retinitis pigmentosa (Chakarova et al. 2007. PubMed ID: 17924349). This frameshift variant is located in the terminal exon of the gene and therefore the transcript is not expected to undergo nonsense mediated decay; however, many frameshift variants in this exon have been reported in individuals with retinal disease and it is speculated that there is a dominant-negative mechanism of disease (Wang et al. 2022. PubMed ID: 35579903). This variant is interpreted as likely pathogenic.

NM_005802.5(TOPORS):c.2475C>G (p.Tyr825Ter)

Gene: TOPORS (TOP1 binding arginine/serine rich protein, E3 ubiquitin ligase; minus strand). Cytogenetic location: 9p21.1.
Variant type: single nucleotide variant.
Coding change: c.2475C>G on transcript NM_005802.5 (MANE Select); coding-DNA position 2475, C replaced by G.
Protein change: p.Tyr825Ter; replaces tyrosine 825 with a stop codon.
Molecular consequence: nonsense.
Genome position (GRCh38, 1-based): chr9:32,542,050, G>C on the plus strand (C>G on the coding strand, the complement: TOPORS is on the minus strand). VCF-style: chr9-32542050-G-C. GRCh37 (hg19) VCF-style: chr9-32542048-G-C.
Other names: c.2280C>G, p.Tyr760Ter (NM_001195622.2); short protein forms Y760*, Y825*.
Identifiers: ClinVar variation 5002080 (VCV005002080.1).
Genomic context (GRCh38, chr9:32,542,050, plus strand): 5'-GTCTGAAAAGGTATCACTCTCATTTTTGTAGTTTCCATCCAATTTTGATGAAGATTTTTG[G>C]TAATGACTGTCCTTTGCTTTAGAAGCAAATTCACGAGATGGCTGAGCCACTTCGTTAGTA-3'